The following is an entry in ClinVar:

NM_001174150.2(ARL13B):c.1211-1G>C

Gene: ARL13B (ARF like GTPase 13B; plus strand). Cytogenetic location: 3q11.2.
Variant type: single nucleotide variant.
Coding change: c.1211-1G>C on transcript NM_001174150.2 (MANE Select); the canonical splice acceptor site of the intron before coding-DNA position 1211, G replaced by C.
Molecular consequence: splice acceptor variant.
Genome position (GRCh38, 1-based): chr3:94,053,186, G>C. VCF-style: chr3-94053186-G-C. GRCh37 (hg19) VCF-style: chr3-93772030-G-C.
Other names: c.1166-1G>C (NM_001321328.2); c.1211-1G>C (NM_182896.3); c.1142-1G>C (NM_001410782.1); c.902-1G>C (NM_001174151.2); c.890-1G>C (NM_144996.4).
Identifiers: ClinVar variation 1357436 (VCV001357436.8), dbSNP rs767291160, ClinGen allele CA2504319.

ClinVar aggregate classification (germline): Uncertain significance. Review status: criteria provided, multiple submitters, no conflicts (2 of 4 stars). 4 submissions from 4 submitters: Uncertain significance (4). Last evaluated 2025-02-19.

Conditions:
Joubert syndrome 8 (JBTS8). Identifiers: Orphanet 475, MedGen C2676771, MONDO:0012855, OMIM 612291.

Allele frequency attached by ClinVar (database versions not stated): gnomAD exomes 0.00001.
gnomAD v4.1: 21 of 1,610,644 alleles (0.0013%); highest among the groups gnomAD compares: Admixed American, 0.015%; no homozygotes.

Submissions (4):

Women's Health and Genetics/Laboratory Corporation of America, LabCorp
Classification: Uncertain significance. Last evaluated: 2025-02-19. Review status: criteria provided, single submitter. Criteria: LabCorp Variant Classification Summary - May 2015. Collection method: clinical testing. Allele origin: germline.
Comment: Variant summary: ARL13B c.1211-1G>C is located in a canonical splice-site in intron 9 and is predicted to affect mRNA splicing resulting in a significantly altered protein due to either exon skipping, shortening, or inclusion of intronic material. However, it is not expected to undergo nonsense mediated decay. Several computational tools predict a significant impact on normal splicing: Four predict the variant abolishes a 3' acceptor site. Two predict the variant strengthens a cryptic 3' acceptor site. Two predict the variant creates a 3' acceptor site. However, these predictions have yet to be confirmed by functional studies. The variant allele was found at a frequency of 2.4e-05 in 248766 control chromosomes. The available data on variant occurrences in the general population are insufficient to allow any conclusion about variant significance. To our knowledge, no occurrence of c.1211-1G>C in individuals affected with Joubert Syndrome And Related Disorders and no experimental evidence demonstrating its impact on protein function have been reported. ClinVar contains an entry for this variant (Variation ID: 1357436). Based on the evidence outlined above, the variant was classified as uncertain significance.

Labcorp Genetics (formerly Invitae), Labcorp
Classification: Uncertain significance for Joubert syndrome 8. Last evaluated: 2024-10-25. Review status: criteria provided, single submitter. Criteria: Invitae Variant Classification Sherloc (09022015). Collection method: clinical testing. Allele origin: germline.
Comment: This sequence change affects an acceptor splice site in intron 9 of the ARL13B gene. While this variant is not anticipated to result in nonsense mediated decay, it likely alters RNA splicing and results in a disrupted protein product. This variant is present in population databases (rs767291160, gnomAD 0.02%). This variant has not been reported in the literature in individuals affected with ARL13B-related conditions. ClinVar contains an entry for this variant (Variation ID: 1357436). Variants that disrupt the consensus splice site are a relatively common cause of aberrant splicing (PMID: 17576681, 9536098). Algorithms developed to predict the effect of sequence changes on RNA splicing suggest that this variant may disrupt the consensus splice site. In summary, the available evidence is currently insufficient to determine the role of this variant in disease. Therefore, it has been classified as a Variant of Uncertain Significance.

Fulgent Genetics
Classification: Uncertain significance for Joubert syndrome 8. Last evaluated: 2024-06-12. Review status: criteria provided, single submitter. Criteria: ACMG Guidelines, 2015. Collection method: clinical testing. Allele origin: germline.

Blueprint Genetics
Classification: Uncertain significance. Last evaluated: 2024-02-06. Review status: criteria provided, single submitter. Criteria: ACMG Guidelines, 2015. Collection method: clinical testing. Allele origin: germline.

Literature cited by the submitters: PubMed 17576681 (cited by Labcorp Genetics (formerly Invitae), Labcorp); PubMed 9536098 (cited by Labcorp Genetics (formerly Invitae), Labcorp).